The following is an entry in ClinVar:

ClinVar aggregate classification (germline): Uncertain significance (1 of 4 stars; one submission).

Conditions:
Joubert syndrome 5 (JBTS5). Identifiers: Orphanet 2318, MedGen C1857780, MONDO:0012432, OMIM 610188.

Allele frequency attached by ClinVar (database versions not stated): gnomAD exomes below 0.00001.
gnomAD v4.1: 2 of 1,561,658 alleles (0.00013%); highest among the groups gnomAD compares: South Asian, 0.0024%; no homozygotes.

Submission:

Centre for Mendelian Genomics, University Medical Centre Ljubljana
Classification: Uncertain significance for Joubert syndrome 5. Last evaluated: 2019-06-24. Review status: criteria provided, single submitter. Criteria: ACMG Guidelines, 2015. Collection method: clinical testing. Allele origin: unknown. Affected: yes.
Comment: This variant was classified as: Uncertain significance. The available evidence on this variant's pathogenicity is insufficient or conflicting. The following ACMG criteria were applied in classifying this variant: PM2.

NM_025114.4(CEP290):c.3541G>C (p.Glu1181Gln)

Gene: CEP290 (centrosomal protein 290; minus strand). Cytogenetic location: 12q21.32.
Variant type: single nucleotide variant.
Coding change: c.3541G>C on transcript NM_025114.4 (MANE Select); coding-DNA position 3541, G replaced by C.
Protein change: p.Glu1181Gln; replaces glutamic acid 1181 with glutamine.
Molecular consequence: missense variant.
Genome position (GRCh38, 1-based): chr12:88,090,760, C>G on the plus strand (G>C on the coding strand, the complement: CEP290 is on the minus strand). VCF-style: chr12-88090760-C-G. GRCh37 (hg19) VCF-style: chr12-88484537-C-G.
Other names: short protein forms E1181Q.
Identifiers: ClinVar variation 932089 (VCV000932089.3), dbSNP rs1466311097, ClinGen allele CA386001775.